The following is an entry in ClinVar:

NM_001242896.3(DEPDC5):c.2831C>T (p.Thr944Ile)

Gene: DEPDC5 (DEP domain containing 5, GATOR1 subcomplex subunit; plus strand). Cytogenetic location: 22q12.3.
Variant type: single nucleotide variant.
Coding change: c.2831C>T on transcript NM_001242896.3 (MANE Select); coding-DNA position 2831, C replaced by T.
Protein change: p.Thr944Ile; replaces threonine 944 with isoleucine.
Molecular consequence: missense variant. On other transcripts: non-coding transcript variant (5).
Genome position (GRCh38, 1-based): chr22:31,845,047, C>T. VCF-style: chr22-31845047-C-T. GRCh37 (hg19) VCF-style: chr22-32241033-C-T.
Other names: c.2804C>T, p.Thr935Ile (NM_001136029.4, NM_001369903.1, NM_014662.6); c.2597C>T, p.Thr866Ile (NM_001242897.2, NM_001363854.2, NM_001364319.2); c.2831C>T, p.Thr944Ile (NM_001363852.2, NM_001364318.2, NM_001364320.2); c.2747C>T, p.Thr916Ile (NM_001369901.1, NM_001369902.1); short protein forms T866I, T916I, T935I, T944I.
Identifiers: ClinVar variation 1012695 (VCV001012695.39), dbSNP rs1228740465, ClinGen allele CA411290953.

ClinVar aggregate classification (germline): Uncertain significance. Review status: criteria provided, multiple submitters, no conflicts (2 of 4 stars). 2 submissions from 2 submitters: Uncertain significance (2). Last evaluated 2026-01-05.

Conditions:
Familial focal epilepsy with variable foci (FPEVF). Identifiers: Orphanet 98820, MedGen C1858477, MONDO:0020310.

gnomAD v4.1: 5 of 1,614,166 alleles (0.00031%); highest among the groups gnomAD compares: Non-Finnish European, 0.00025%; no homozygotes.

Submissions (2):

Labcorp Genetics (formerly Invitae), Labcorp
Classification: Uncertain significance for Familial focal epilepsy with variable foci. Last evaluated: 2026-01-05. Review status: criteria provided, single submitter. Criteria: Invitae Variant Classification Sherloc (09022015). Collection method: clinical testing. Allele origin: germline.
Comment: This sequence change replaces threonine, which is neutral and polar, with isoleucine, which is neutral and non-polar, at codon 944 of the DEPDC5 protein (p.Thr944Ile). This variant is present in population databases (no rsID available, gnomAD 0.0009%). This variant has not been reported in the literature in individuals affected with DEPDC5-related conditions. ClinVar contains an entry for this variant (Variation ID: 1012695). Experimental studies and prediction algorithms are not available or were not evaluated, and the functional significance of this variant is currently unknown. In summary, the available evidence is currently insufficient to determine the role of this variant in disease. Therefore, it has been classified as a Variant of Uncertain Significance.

CeGaT Center for Human Genetics Tuebingen
Classification: Uncertain significance. Last evaluated: 2021-01-01. Review status: criteria provided, single submitter. Criteria: CeGaT Center For Human Genetics Tuebingen Variant Classification Criteria Version 2. Collection method: clinical testing. Allele origin: germline. Affected: yes. Observed: 1 variant allele.